The following is an entry in ClinVar:

NM_001267550.2(TTN):c.20151T>G (p.Thr6717=)

Genes: TTN (titin; minus strand), LOC126806429 (BRD4-independent group 4 enhancer GRCh37_chr2:179591393-179592592; plus strand). Cytogenetic location: 2q31.2.
Variant type: single nucleotide variant.
Coding change: c.20151T>G on transcript NM_001267550.2 (MANE Select); coding-DNA position 20151, T replaced by G.
Protein change: p.Thr6717=; no amino-acid change (threonine 6717 retained).
Molecular consequence: synonymous variant. On other transcripts: intron variant (3).
Genome position (GRCh38, 1-based): chr2:178,727,214, A>C on the plus strand (T>G on the coding strand, the complement: TTN is on the minus strand). VCF-style: chr2-178727214-A-C. GRCh37 (hg19) VCF-style: chr2-179591941-A-C.
Other names: c.19200T>G, p.Thr6400= (NM_001256850.1); c.16419T>G, p.Thr5473= (NM_133378.4); c.13282+10868T>G (NM_003319.4); c.13858+10868T>G (NM_133437.4); c.13657+10868T>G (NM_133432.3).
Identifiers: ClinVar variation 4872694 (VCV004872694.2).

ClinVar aggregate classification (germline): Likely benign (1 of 4 stars; one submission).

Submission:

CeGaT Center for Human Genetics Tuebingen
Classification: Likely benign. Last evaluated: 2026-06-01. Review status: criteria provided, single submitter. Criteria: CeGaT Center For Human Genetics Tuebingen Variant Classification Criteria Version 2. Collection method: clinical testing. Allele origin: germline. Affected: yes. Observed: 1 variant allele.
Comment: TTN: PM2:Supporting, BP4, BP7